The following is an entry in ClinVar:

NM_005560.6(LAMA5):c.10122C>A (p.Ser3374Arg)

Gene: LAMA5 (laminin subunit alpha 5; minus strand). Cytogenetic location: 20q13.33.
Variant type: single nucleotide variant.
Coding change: c.10122C>A on transcript NM_005560.6 (MANE Select); coding-DNA position 10122, C replaced by A.
Protein change: p.Ser3374Arg; replaces serine 3374 with arginine.
Molecular consequence: missense variant.
Genome position (GRCh38, 1-based): chr20:62,311,061, G>T on the plus strand (C>A on the coding strand, the complement: LAMA5 is on the minus strand). VCF-style: chr20-62311061-G-T. GRCh37 (hg19) VCF-style: chr20-60886117-G-T.
Other names: short protein forms S3374R.
Identifiers: ClinVar variation 2051967 (VCV002051967.4), dbSNP rs1235191357, ClinGen allele CA409538300.

ClinVar aggregate classification (germline): Uncertain significance (1 of 4 stars; one submission).

gnomAD v4.1: 1 of 1,598,426 alleles (0.000063%); highest among the groups gnomAD compares: Admixed American, 0.0017%; no homozygotes.

Submission:

Labcorp Genetics (formerly Invitae), Labcorp
Classification: Uncertain significance. Last evaluated: 2022-06-09. Review status: criteria provided, single submitter. Criteria: Invitae Variant Classification Sherloc (09022015). Collection method: clinical testing. Allele origin: germline.
Comment: This sequence change replaces serine, which is neutral and polar, with arginine, which is basic and polar, at codon 3374 of the LAMA5 protein (p.Ser3374Arg). In summary, the available evidence is currently insufficient to determine the role of this variant in disease. Therefore, it has been classified as a Variant of Uncertain Significance. Algorithms developed to predict the effect of missense changes on protein structure and function output the following: SIFT: "Tolerated"; PolyPhen-2: "Benign"; Align-GVGD: "Class C0". The arginine amino acid residue is found in multiple mammalian species, which suggests that this missense change does not adversely affect protein function. This variant has not been reported in the literature in individuals affected with LAMA5-related conditions. The frequency data for this variant in the population databases is considered unreliable, as metrics indicate poor data quality at this position in the gnomAD database.